The following is an entry in ClinVar:

NM_206933.4(USH2A):c.9833del (p.Asn3278fs)

Gene: USH2A (usherin; minus strand). Cytogenetic location: 1q41.
Variant type: Deletion.
Coding change: c.9833del on transcript NM_206933.4 (MANE Select); coding-DNA position 9833, one base deleted (A; older notation c.9833delA).
Protein change: p.Asn3278fs; shifts the reading frame from asparagine 3278.
Molecular consequence: frameshift variant.
Genome position (GRCh38, 1-based): chr1:215,799,032, T deleted on the plus strand (A on the coding strand, the reverse complement: USH2A is on the minus strand); the first of 3 consecutive T bases (chr1:215,799,032-215,799,034); deleting any one gives the same sequence. VCF-style (leftmost placement, unchanged base first): chr1-215799031-GT-G. GRCh37 (hg19) VCF-style: chr1-215972373-GT-G.
Other names: short protein forms N3278fs.
Identifiers: ClinVar variation 2823192 (VCV002823192.3), dbSNP rs2464454878, ClinGen allele CA2739275631.
Genomic context (GRCh38, chr1:215,799,031, plus strand): 5'-CTGTCTGCCACAGCACTTCTGGCCATGGCCATCATGAAGCCTCCCAGCACAGCAAATCTG[GT>G]TTCCTGAGGTGGAGTACGGCATTCTGCCACAGCAGGAATCACCAATGCCAACAGAAACCC-3'

ClinVar aggregate classification (germline): Pathogenic (1 of 4 stars; one submission).

Submission:

Labcorp Genetics (formerly Invitae), Labcorp
Classification: Pathogenic. Last evaluated: 2022-12-31. Review status: criteria provided, single submitter. Criteria: Invitae Variant Classification Sherloc (09022015). Collection method: clinical testing. Allele origin: germline.
Comment: For these reasons, this variant has been classified as Pathogenic. This variant has not been reported in the literature in individuals affected with USH2A-related conditions. This variant is not present in population databases (gnomAD no frequency). This sequence change creates a premature translational stop signal (p.Asn3278Thrfs*23) in the USH2A gene. It is expected to result in an absent or disrupted protein product. Loss-of-function variants in USH2A are known to be pathogenic (PMID: 10729113, 10909849, 20507924, 25649381).

Literature cited by the submitters: PubMed 10729113; PubMed 10909849; PubMed 20507924; PubMed 25649381.